The following is an entry in ClinVar:

ClinVar aggregate classification (germline): Likely pathogenic (1 of 4 stars; one submission).

Conditions:
Myofibrillar myopathy 5. Also called: Filaminopathy (type); FILAMINOPATHY, AUTOSOMAL DOMINANT. Identifiers: Orphanet 171445, MedGen C1836050, MONDO:0012289, OMIM 609524.
Distal myopathy with posterior leg and anterior hand involvement. Also called: WILLIAMS DISTAL MYOPATHY. Identifiers: Orphanet 63273, MedGen C3279722, MONDO:0013550, OMIM 614065.
Hypertrophic cardiomyopathy 26. Also called: Cardiomyopathy, familial hypertrophic, 26. Identifiers: Orphanet 75249, MedGen C4310749, MONDO:0014883, OMIM 617047.

Submission:

Labcorp Genetics (formerly Invitae), Labcorp
Classification: Likely pathogenic for Distal myopathy with posterior leg and anterior hand involvement; Myofibrillar myopathy 5; Hypertrophic cardiomyopathy 26. Last evaluated: 2021-12-07. Review status: criteria provided, single submitter. Criteria: Invitae Variant Classification Sherloc (09022015). Collection method: clinical testing. Allele origin: germline.
Comment: This sequence change affects a donor splice site in intron 28 of the FLNC gene. It is expected to disrupt RNA splicing. Variants that disrupt the donor or acceptor splice site typically lead to a loss of protein function (PMID: 16199547), and loss-of-function variants in FLNC are known to be pathogenic (PMID: 27908349). This variant is not present in population databases (gnomAD no frequency). Disruption of this splice site has been observed in individual(s) with with myopathies and muscular dystrophies (PMID: 29792937). Algorithms developed to predict the effect of sequence changes on RNA splicing suggest that this variant may disrupt the consensus splice site. In summary, the currently available evidence indicates that the variant is pathogenic, but additional data are needed to prove that conclusively. Therefore, this variant has been classified as Likely Pathogenic.

Literature cited by the submitters: PubMed 16199547; PubMed 27908349; PubMed 29792937.

NM_001458.5(FLNC):c.4927+2T>G

Gene: FLNC (filamin C; plus strand). Cytogenetic location: 7q32.1.
Variant type: single nucleotide variant.
Coding change: c.4927+2T>G on transcript NM_001458.5 (MANE Select); the canonical splice donor site of the intron after coding-DNA position 4927, T replaced by G.
Molecular consequence: splice donor variant.
Genome position (GRCh38, 1-based): chr7:128,848,984, T>G. VCF-style: chr7-128848984-T-G. GRCh37 (hg19) VCF-style: chr7-128489038-T-G.
Other names: c.4927+2T>G (NM_001127487.2).
Identifiers: ClinVar variation 1348431 (VCV001348431.6), dbSNP rs2128937680, ClinGen allele CA369203684.